The following is an entry in ClinVar:

ClinVar aggregate classification (germline): Uncertain significance (1 of 4 stars; one submission).

Conditions:
SEMA3B-related disorder. Also called: SEMA3B-related condition.

gnomAD v4.1: 4 of 1,612,734 alleles (0.00025%); highest among the groups gnomAD compares: Admixed American, 0.0017%; no homozygotes.

Submission:

PreventionGenetics, part of Exact Sciences
Classification: Uncertain significance for SEMA3B-related condition. Last evaluated: 2026-02-18. Review status: criteria provided, single submitter. Criteria: ACMG Guidelines, 2015. Collection method: clinical testing. Allele origin: germline.
Comment: The SEMA3B c.1152+5G>C variant is predicted to interfere with splicing. This variant is predicted to alter splicing based on available splicing prediction programs (SpliceAI, Jaganathan et al. 2019. PubMed ID: 30661751). However, the use of computer prediction programs is not equivalent to functional evidence. To our knowledge, this variant has not been reported in the literature. This variant is reported in 0.0029% of alleles in individuals of Latino descent in gnomAD. At this time, the clinical significance of this variant is uncertain due to the absence of conclusive functional and genetic evidence.

NM_001290060.2(SEMA3B):c.1137+5G>C

Gene: SEMA3B (semaphorin 3B; plus strand). Cytogenetic location: 3p21.31.
Variant type: single nucleotide variant.
Coding change: c.1137+5G>C on transcript NM_001290060.2 (MANE Select); 5 bases into the intron after coding-DNA position 1137, G replaced by C.
Molecular consequence: intron variant.
Genome position (GRCh38, 1-based): chr3:50,274,062, G>C. VCF-style: chr3-50274062-G-C. GRCh37 (hg19) VCF-style: chr3-50311493-G-C.
Other names: c.1134+5G>C (NM_001435958.1, NM_001435957.1, NM_001005914.3); c.1137+5G>C (NM_001435956.1, NM_004636.4); c.1152+5G>C (NM_001290061.1); c.108+5G>C (NM_001290062.2, NM_001290063.2).
Identifiers: ClinVar variation 4984686 (VCV004984686.1).